The following is an entry in ClinVar:

NM_001170700.3(DTHD1):c.2040A>C (p.Gln680His)

Gene: DTHD1 (death domain containing 1; plus strand). Cytogenetic location: 4p14.
Variant type: single nucleotide variant.
Coding change: c.2040A>C on transcript NM_001170700.3 (MANE Select); coding-DNA position 2040, A replaced by C.
Protein change: p.Gln680His; replaces glutamine 680 with histidine.
Molecular consequence: missense variant. On other transcripts: non-coding transcript variant (2).
Genome position (GRCh38, 1-based): chr4:36,308,438, A>C. VCF-style: chr4-36308438-A-C. GRCh37 (hg19) VCF-style: chr4-36310060-A-C.
Other names: c.1170A>C, p.Gln390His (NM_001136536.5); c.1107A>C, p.Gln369His (NM_001378435.1); short protein forms Q680H, Q369H, Q390H.
Identifiers: ClinVar variation 1461134 (VCV001461134.7), dbSNP rs961141007, ClinGen allele CA95784014.

ClinVar aggregate classification (germline): Uncertain significance. Review status: criteria provided, multiple submitters, no conflicts (2 of 4 stars). 2 submissions from 2 submitters: Uncertain significance (2). Last evaluated 2024-11-05.

Allele frequency attached by ClinVar (database versions not stated): gnomAD exomes 0.00001; TOPMed 0.00001.
gnomAD v4.1: 7 of 1,551,870 alleles (0.00045%); highest among the groups gnomAD compares: Non-Finnish European, 0.00061%; no homozygotes.

Submissions (2):

Labcorp Genetics (formerly Invitae), Labcorp
Classification: Uncertain significance. Last evaluated: 2024-11-05. Review status: criteria provided, single submitter. Criteria: Invitae Variant Classification Sherloc (09022015). Collection method: clinical testing. Allele origin: germline.
Comment: This sequence change replaces glutamine, which is neutral and polar, with histidine, which is basic and polar, at codon 390 of the DTHD1 protein (p.Gln390His). This variant is present in population databases (no rsID available, gnomAD 0.002%). This variant has not been reported in the literature in individuals affected with DTHD1-related conditions. ClinVar contains an entry for this variant (Variation ID: 1461134). An algorithm developed to predict the effect of missense changes on protein structure and function (PolyPhen-2) suggests that this variant is likely to be disruptive. In summary, the available evidence is currently insufficient to determine the role of this variant in disease. Therefore, it has been classified as a Variant of Uncertain Significance.

Blueprint Genetics
Classification: Uncertain significance. Last evaluated: 2022-06-07. Review status: criteria provided, single submitter. Criteria: ACMG Guidelines, 2015. Collection method: clinical testing. Allele origin: germline.